The following is an entry in ClinVar:

NM_001953.5(TYMP):c.1246C>T (p.Arg416Cys)

Genes: SCO2 (synthesis of cytochrome C oxidase 2; minus strand), TYMP (thymidine phosphorylase; minus strand), LOC130067862 (ATAC-STARR-seq lymphoblastoid silent region 13986; plus strand). Cytogenetic location: 22q13.33.
Variant type: single nucleotide variant.
Coding change: c.1246C>T on transcript NM_001953.5 (MANE Select); coding-DNA position 1246, C replaced by T.
Protein change: p.Arg416Cys; replaces arginine 416 with cysteine.
Molecular consequence: missense variant. On other transcripts: 5 prime UTR variant (1), intron variant (1).
Genome position (GRCh38, 1-based): chr22:50,526,055, G>A on the plus strand (C>T on the coding strand, the complement: TYMP is on the minus strand). VCF-style: chr22-50526055-G-A. GRCh37 (hg19) VCF-style: chr22-50964484-G-A.
Other names: c.1246C>T, p.Arg416Cys (NM_001113755.3, NM_001113756.3, NM_001257988.1); c.1261C>T, p.Arg421Cys (NM_001257989.1); c.-68C>T (NM_001169110.1); c.-14+191C>T (NM_001169109.2); short protein forms R416C, R421C.
Identifiers: ClinVar variation 2189535 (VCV002189535.2), dbSNP rs896269132, ClinGen allele CA325560343.
Genomic context (GRCh38, chr22:50,526,055, plus strand): 5'-GCTCACCACGGCGCAGCCTCTGACCCACGTCGACCAGCAGCTCTGCGCCCACCCCCAGGC[G>A]GAGCGGCTCCCCAGCGCGGCTGCGCCCGGCCCCGAGCTCGTGCAGCACCAGCGCCAGCGG-3'
Protein context (NP_001944.1, residues 406-426): AGRSRAGEPL[Arg416Cys]LGVGAELLVD

ClinVar aggregate classification (germline): Uncertain significance. Review status: criteria provided, multiple submitters, no conflicts (2 of 4 stars). 2 submissions from 2 submitters: Uncertain significance (2). Last evaluated 2025-08-07.

Conditions:
Inborn genetic diseases. Identifiers: MedGen C0950123, MeSH D030342.

Allele frequency attached by ClinVar (database versions not stated): gnomAD 0.00001; TOPMed below 0.00001.
gnomAD v4.1: 9 of 1,481,762 alleles (0.00061%); highest among the groups gnomAD compares: South Asian, 0.0025%; no homozygotes.

Submissions (2):

Ambry Genetics
Classification: Uncertain significance for Inborn genetic diseases. Last evaluated: 2025-08-07. Review status: criteria provided, single submitter. Criteria: Ambry Variant Classification Scheme 2023. Collection method: clinical testing. Allele origin: germline.

Labcorp Genetics (formerly Invitae), Labcorp
Classification: Uncertain significance. Last evaluated: 2022-01-18. Review status: criteria provided, single submitter. Criteria: Invitae Variant Classification Sherloc (09022015). Collection method: clinical testing. Allele origin: germline.
Comment: This sequence change replaces arginine, which is basic and polar, with cysteine, which is neutral and slightly polar, at codon 416 of the TYMP protein (p.Arg416Cys). This variant is not present in population databases (gnomAD no frequency). This variant has not been reported in the literature in individuals affected with TYMP-related conditions. Advanced modeling of protein sequence and biophysical properties (such as structural, functional, and spatial information, amino acid conservation, physicochemical variation, residue mobility, and thermodynamic stability) performed at Invitae indicates that this missense variant is not expected to disrupt TYMP protein function. In summary, the available evidence is currently insufficient to determine the role of this variant in disease. Therefore, it has been classified as a Variant of Uncertain Significance.